The following is an entry in ClinVar:

NC_000013.10:g.(?_100953694)_(101101579_?)del

Gene: PCCA (propionyl-CoA carboxylase subunit alpha; plus strand). Cytogenetic location: 13q32.3.
Variant type: Deletion.
Identifiers: ClinVar variation 3244146 (VCV003244146.1).

ClinVar aggregate classification (germline): Pathogenic (1 of 4 stars; one submission).

Conditions:
Propionic acidemia (PROP). Also called: GLYCINEMIA, KETOTIC; HYPERGLYCINEMIA WITH KETOACIDOSIS AND LEUKOPENIA; KETOTIC HYPERGLYCINEMIA. Identifiers: Orphanet 35, MedGen C0268579, MONDO:0011628, OMIM 606054, HP:0003571.

Submission:

Labcorp Genetics (formerly Invitae), Labcorp
Classification: Pathogenic for Propionic acidemia. Last evaluated: 2023-09-06. Review status: criteria provided, single submitter. Criteria: Invitae Variant Classification Sherloc (09022015). Collection method: clinical testing. Allele origin: unknown.
Comment: For these reasons, this variant has been classified as Pathogenic. This variant disrupts a region of the PCCA protein in which other variant(s) (p.Met373Lys) have been determined to be pathogenic (PMID: 10101253, 22033733, 33028371). This suggests that this is a clinically significant region of the protein, and that variants that disrupt it are likely to be disease-causing. This variant has not been reported in the literature in individuals affected with PCCA-related conditions. This variant is a gross deletion of the genomic region encompassing exon(s) 13-21 of the PCCA gene. This variant would be expected to be in-frame, preserving the integrity of the reading frame.

Literature cited by the submitters: PubMed 10101253; PubMed 22033733; PubMed 33028371.